The following is an entry in ClinVar:

NM_030777.4(SLC2A10):c.766A>G (p.Thr256Ala)

Gene: SLC2A10 (solute carrier family 2 member 10; plus strand). Cytogenetic location: 20q13.12.
Variant type: single nucleotide variant.
Coding change: c.766A>G on transcript NM_030777.4 (MANE Select); coding-DNA position 766, A replaced by G.
Protein change: p.Thr256Ala; replaces threonine 256 with alanine.
Molecular consequence: missense variant.
Genome position (GRCh38, 1-based): chr20:46,725,802, A>G. VCF-style: chr20-46725802-A-G. GRCh37 (hg19) VCF-style: chr20-45354441-A-G.
Other names: short protein forms T256A.
Identifiers: ClinVar variation 2625965 (VCV002625965.2), dbSNP rs2515589936, ClinGen allele CA409268005.

ClinVar aggregate classification (germline): Uncertain significance (1 of 4 stars; one submission).

Conditions:
Familial thoracic aortic aneurysm and aortic dissection (TAAD). Also called: Thoracic aortic aneurysms and dissections. Identifiers: Orphanet 91387, MedGen C4707243, MONDO:0019625.

Allele frequency attached by ClinVar (database versions not stated): gnomAD exomes below 0.00001.
gnomAD v4.1: 2 of 1,614,176 alleles (0.00012%); highest among the groups gnomAD compares: Non-Finnish European, 0.000085%; no homozygotes.

Submission:

Ambry Genetics
Classification: Uncertain significance for Familial thoracic aortic aneurysm and aortic dissection. Last evaluated: 2023-08-03. Review status: criteria provided, single submitter. Criteria: Ambry Variant Classification Scheme 2023. Collection method: clinical testing. Allele origin: germline.
Comment: The p.T256A variant (also known as c.766A>G), located in coding exon 2 of the SLC2A10 gene, results from an A to G substitution at nucleotide position 766. The threonine at codon 256 is replaced by alanine, an amino acid with similar properties. This amino acid position is conserved. In addition, the in silico prediction for this alteration is inconclusive. Since supporting evidence is limited at this time, the clinical significance of this alteration remains unclear.